The following is an entry in ClinVar:

ClinVar aggregate classification (germline): Conflicting classifications of pathogenicity. Review status: criteria provided, conflicting classifications (1 of 4 stars). 2 submissions from 2 submitters: Uncertain significance (1); Likely benign (1). Last evaluated 2025-10-13.

Conditions:
Peutz-Jeghers syndrome (PJS). Also called: POLYPOSIS, HAMARTOMATOUS INTESTINAL; POLYPS-AND-SPOTS SYNDROME; Peutz-Jeghers polyposis; Periorificial lentiginosis syndrome. Identifiers: Orphanet 2869, MedGen C0031269, MeSH D010580, MONDO:0008280, OMIM 175200.

Submissions (2):

Labcorp Genetics (formerly Invitae), Labcorp
Classification: Likely benign for Peutz-Jeghers syndrome. Last evaluated: 2025-10-13. Review status: criteria provided, single submitter. Criteria: Invitae Variant Classification Sherloc (09022015). Collection method: clinical testing. Allele origin: germline.

All of Us Research Program, National Institutes of Health
Classification: Uncertain significance for Peutz-Jeghers syndrome. Last evaluated: 2023-04-03. Review status: criteria provided, single submitter. Criteria: ACMG Guidelines, 2015. Collection method: clinical testing. Allele origin: germline. Inheritance: Autosomal dominant inheritance. Observed: 1 variant allele, 1 heterozygote.
Comment: This variant causes a C to G nucleotide substitution at the -7 position of intron 8 of the STK11 gene. To our knowledge, functional studies have not been reported for this variant. This variant has not been reported in individuals affected with STK11-related disorders in the literature. This variant has not been identified in the general population by the Genome Aggregation Database (gnomAD). The available evidence is insufficient to determine the role of this variant in disease conclusively. Therefore, this variant is classified as a Variant of Uncertain Significance.

This study involves interpretation of variants in research participants for the purpose of population health screening. Participant phenotype was not available at the time of variant classification. Additional details can be found in publication PMID: 35346344, PMCID: PMC8962531

NM_000455.5(STK11):c.1109-7C>G

Gene: STK11 (serine/threonine kinase 11; plus strand). Cytogenetic location: 19p13.3.
Variant type: single nucleotide variant.
Coding change: c.1109-7C>G on transcript NM_000455.5 (MANE Select); 7 bases into the intron before coding-DNA position 1109, C replaced by G.
Molecular consequence: intron variant.
Genome position (GRCh38, 1-based): chr19:1,226,447, C>G. VCF-style: chr19-1226447-C-G. GRCh37 (hg19) VCF-style: chr19-1226446-C-G.
Identifiers: ClinVar variation 1106130 (VCV001106130.10), dbSNP rs922706582, ClinGen allele CA2499225356.